The following is an entry in ClinVar:

NM_000257.4(MYH7):c.1519G>A (p.Glu507Lys)

Gene: MYH7 (myosin heavy chain 7; minus strand). Cytogenetic location: 14q11.2.
Variant type: single nucleotide variant.
Coding change: c.1519G>A on transcript NM_000257.4 (MANE Select); coding-DNA position 1519, G replaced by A.
Protein change: p.Glu507Lys; replaces glutamic acid 507 with lysine.
Molecular consequence: missense variant.
Genome position (GRCh38, 1-based): chr14:23,428,559, C>T on the plus strand (G>A on the coding strand, the complement: MYH7 is on the minus strand). VCF-style: chr14-23428559-C-T. GRCh37 (hg19) VCF-style: chr14-23897768-C-T.
Other names: short protein forms E507K.
Identifiers: ClinVar variation 407191 (VCV000407191.15), dbSNP rs558212108, ClinGen allele CA028587.

ClinVar aggregate classification (germline): Uncertain significance. Review status: criteria provided, multiple submitters, no conflicts (2 of 4 stars). 4 submissions from 4 submitters: Uncertain significance (4). Last evaluated 2025-06-13.

Conditions:
Cardiovascular phenotype. Identifiers: MedGen CN230736.
Cardiomyopathy (CMYO). Also called: Cardiomyopathies. Identifiers: Orphanet 167848, MedGen C0878544, MONDO:0004994, HP:0001638. Inheritance: Various modes of inheritance.
Hypertrophic cardiomyopathy. Also called: HYPERTROPHIC MYOCARDIOPATHY. Identifiers: Orphanet 217569, MedGen C0007194, MeSH D002312, MONDO:0005045, HP:0001639.

Allele frequency attached by ClinVar (database versions not stated): ExAC 0.00001; gnomAD exomes 0.00001; gnomAD 0.00002 and 0.00003; TOPMed 0.00002.
gnomAD v4.1: 12 of 1,614,204 alleles (0.00074%); highest among the groups gnomAD compares: East Asian, 0.0067%; no homozygotes.

Submissions (4):

Ambry Genetics
Classification: Uncertain significance for Cardiovascular phenotype. Last evaluated: 2025-06-13. Review status: criteria provided, single submitter. Criteria: Ambry Variant Classification Scheme 2023. Collection method: clinical testing. Allele origin: germline.
Comment: The p.E507K variant (also known as c.1519G>A), located in coding exon 13 of the MYH7 gene, results from a G to A substitution at nucleotide position 1519. The glutamic acid at codon 507 is replaced by lysine, an amino acid with similar properties. This variant has been reported in association with hypertrophic cardiomyopathy (HCM) (Homburger JR et al. Proc Natl Acad Sci U S A, 2016 Jun;113:6701-6). This variant has been reported in the Jackson Heart Study cohort; however, clinical details were limited (Bick AG et al. Am J Hum Genet, 2012 Sep;91:513-9). This amino acid position is highly conserved in available vertebrate species. In addition, the in silico prediction for this alteration is inconclusive. Based on the available evidence, the clinical significance of this variant remains unclear.

Labcorp Genetics (formerly Invitae), Labcorp
Classification: Uncertain significance for Hypertrophic cardiomyopathy. Last evaluated: 2025-01-11. Review status: criteria provided, single submitter. Criteria: Invitae Variant Classification Sherloc (09022015). Collection method: clinical testing. Allele origin: germline.
Comment: This sequence change replaces glutamic acid, which is acidic and polar, with lysine, which is basic and polar, at codon 507 of the MYH7 protein (p.Glu507Lys). This variant is present in population databases (rs558212108, gnomAD 0.002%). This variant has not been reported in the literature in individuals affected with MYH7-related conditions. ClinVar contains an entry for this variant (Variation ID: 407191). Invitae Evidence Modeling of protein sequence and biophysical properties (such as structural, functional, and spatial information, amino acid conservation, physicochemical variation, residue mobility, and thermodynamic stability) indicates that this missense variant is expected to disrupt MYH7 protein function with a positive predictive value of 95%. In summary, the available evidence is currently insufficient to determine the role of this variant in disease. Therefore, it has been classified as a Variant of Uncertain Significance.

All of Us Research Program, National Institutes of Health
Classification: Uncertain significance for Cardiomyopathy. Last evaluated: 2023-11-02. Review status: criteria provided, single submitter. Criteria: ACMG Guidelines, 2015. Collection method: clinical testing. Allele origin: germline. Inheritance: Autosomal dominant inheritance. Observed: 3 variant alleles, 3 heterozygotes.
Comment: This missense variant replaces glutamic acid with lysine at codon 507 of the MYH7 protein. Computational prediction is inconclusive regarding the impact of this variant on protein structure and function (internally defined REVEL score threshold 0.5 < inconclusive < 0.7, PMID: 27666373). To our knowledge, functional studies have not been reported for this variant. This variant has not been reported in individuals affected with cardiovascular disorders in the literature. This variant has been identified in 2/251492 chromosomes in the general population by the Genome Aggregation Database (gnomAD). The available evidence is insufficient to determine the role of this variant in disease conclusively. Therefore, this variant is classified as a Variant of Uncertain Significance.

This study involves interpretation of variants in research participants for the purpose of population health screening. Participant phenotype was not available at the time of variant classification. Additional details can be found in publication PMID: 35346344, PMCID: PMC8962531

Color Diagnostics, LLC DBA Color Health
Classification: Uncertain significance for Cardiomyopathy. Last evaluated: 2023-05-31. Review status: criteria provided, single submitter. Criteria: ACMG Guidelines, 2015. Collection method: clinical testing. Allele origin: germline.
Comment: This missense variant replaces glutamic acid with lysine at codon 507 of the MYH7 protein. Computational prediction is inconclusive regarding the impact of this variant on protein structure and function (internally defined REVEL score threshold 0.5 < inconclusive < 0.7, PMID: 27666373). To our knowledge, functional studies have not been reported for this variant. This variant has not been reported in individuals affected with cardiovascular disorders in the literature. This variant has been identified in 2/251492 chromosomes in the general population by the Genome Aggregation Database (gnomAD). The available evidence is insufficient to determine the role of this variant in disease conclusively. Therefore, this variant is classified as a Variant of Uncertain Significance.

Literature cited by the submitters: PubMed 22958901 (cited by Ambry Genetics); PubMed 27247418 (cited by Ambry Genetics).